The following is an entry in ClinVar:

ClinVar aggregate classification (germline): Benign. Review status: criteria provided, single submitter (1 of 4 stars). 2 submissions from 2 submitters: Benign (1). 1 of the submissions does not count toward it. Last evaluated 2025-09-02.

Conditions:
IL23R-related disorder. Also called: IL23R-related condition.

Submissions (2):

Labcorp Genetics (formerly Invitae), Labcorp
Classification: Benign. Last evaluated: 2025-09-02. Review status: criteria provided, single submitter. Criteria: Invitae Variant Classification Sherloc (09022015). Collection method: clinical testing. Allele origin: germline.

PreventionGenetics, part of Exact Sciences
Classification: Likely benign for IL23R-related condition. Last evaluated: 2021-01-19. Review status: no assertion criteria provided. Collection method: clinical testing. Allele origin: germline. Not counted in ClinVar's aggregate classification.
Comment: This variant is classified as likely benign based on ACMG/AMP sequence variant interpretation guidelines (Richards et al. 2015 PMID: 25741868, with internal and published modifications).

NM_144701.3(IL23R):c.492-9dup

Gene: IL23R (interleukin 23 receptor; plus strand). Cytogenetic location: 1p31.3.
Variant type: Duplication.
Coding change: c.492-9dup on transcript NM_144701.3 (MANE Select); 9 bases into the intron before coding-DNA position 492, one base duplicated (T; older notation c.492-9dupT).
Molecular consequence: intron variant.
Genome position (GRCh38, 1-based): chr1:67,200,728, T duplicated; the last of 10 consecutive T bases (chr1:67,200,719-67,200,728); duplicating any one gives the same sequence. VCF-style (leftmost placement, unchanged base first): chr1-67200718-C-CT. GRCh37 (hg19) VCF-style: chr1-67666401-C-CT.
Other names: c.492-9dupT (NM_144701.2).
Identifiers: ClinVar variation 1600846 (VCV001600846.10), dbSNP rs551451479, ClinGen allele CA899739.
Genomic context (GRCh38, chr1:67,200,718, plus strand): 5'-TACAGGTGTGAGCCACCATGCCTGGCCAATTAATTCAAACTAAATACAATTTATGATCAT[C>CT]TTTTTTTTTTGTTTTAAGTTTAGAGACAGAAGAAGAGCAACAGTATCTCACCTCAAGCTA-3'